The following is an entry in ClinVar:

ClinVar aggregate classification (germline): Likely benign (1 of 4 stars; one submission).

Allele frequency attached by ClinVar (database versions not stated): ExAC 0.00001; gnomAD 0.00252; 1000 Genomes Project 30x 0.00281.

Submission:

CeGaT Center for Human Genetics Tuebingen
Classification: Likely benign. Last evaluated: 2023-03-01. Review status: criteria provided, single submitter. Criteria: CeGaT Center For Human Genetics Tuebingen Variant Classification Criteria Version 2. Collection method: clinical testing. Allele origin: germline. Affected: yes. Observed: 1 variant allele.
Comment: CD209: BP4, BS2

NM_021155.4(CD209):c.593G>A (p.Arg198Gln)

Gene: CD209 (CD209 molecule; minus strand). Cytogenetic location: 19p13.2.
Variant type: single nucleotide variant.
Coding change: c.593G>A on transcript NM_021155.4 (MANE Select); coding-DNA position 593, G replaced by A.
Protein change: p.Arg198Gln; replaces arginine 198 with glutamine.
Molecular consequence: missense variant. On other transcripts: non-coding transcript variant (1), intron variant (3).
Genome position (GRCh38, 1-based): chr19:7,745,673, C>T on the plus strand (G>A on the coding strand, the complement: CD209 is on the minus strand). VCF-style: chr19-7745673-C-T. GRCh37 (hg19) VCF-style: chr19-7810559-C-T.
Other names: c.461G>A, p.Arg154Gln (NM_001144894.2); c.521G>A, p.Arg174Gln (NM_001144896.2); c.593G>A, p.Arg198Gln (NM_001144897.2); c.340+121G>A (NM_001144893.2); c.265+328G>A (NM_001144899.2); c.472+121G>A (NM_001144895.2); short protein forms R154Q, R174Q, R198Q.
Identifiers: ClinVar variation 2649176 (VCV002649176.24), dbSNP rs41374747, ClinGen allele CA9146011.